The following is an entry in ClinVar:

NM_000137.4(FAH):c.307C>T (p.Arg103Trp)

Gene: FAH (fumarylacetoacetate hydrolase; plus strand). Cytogenetic location: 15q25.1.
Variant type: single nucleotide variant.
Coding change: c.307C>T on transcript NM_000137.4 (MANE Select); coding-DNA position 307, C replaced by T.
Protein change: p.Arg103Trp; replaces arginine 103 with tryptophan.
Molecular consequence: missense variant.
Genome position (GRCh38, 1-based): chr15:80,159,870, C>T. VCF-style: chr15-80159870-C-T. GRCh37 (hg19) VCF-style: chr15-80452212-C-T.
Other names: c.307C>T, p.Arg103Trp (NM_001374377.1, NM_001374380.1); short protein forms R103W.
Identifiers: ClinVar variation 2162778 (VCV002162778.1), dbSNP rs777899653, ClinGen allele CA7691078.

ClinVar aggregate classification (germline): Uncertain significance (1 of 4 stars; one submission).

Conditions:
Tyrosinemia type I (TYRSN1). Also called: FAH DEFICIENCY; Tyrosinemia type 1; Fumarylacetoacetase deficiency; Deficiency of fumarylacetoacetase; HEPATORENAL TYROSINEMIA. Identifiers: Orphanet 882, MedGen C0268490, MONDO:0010161, OMIM 276700. Disease mechanism: loss of function.

Allele frequency attached by ClinVar (database versions not stated): ExAC 0.00001; gnomAD exomes 0.00001.

Submission:

Labcorp Genetics (formerly Invitae), Labcorp
Classification: Uncertain significance for Tyrosinemia type I. Last evaluated: 2021-09-24. Review status: criteria provided, single submitter. Criteria: Invitae Variant Classification Sherloc (09022015). Collection method: clinical testing. Allele origin: germline.
Comment: This sequence change replaces arginine with tryptophan at codon 103 of the FAH protein (p.Arg103Trp). The arginine residue is highly conserved and there is a moderate physicochemical difference between arginine and tryptophan. The frequency data for this variant in the population databases is considered unreliable, as metrics indicate poor data quality at this position in the ExAC database. This variant has not been reported in the literature in individuals with FAH-related conditions. Algorithms developed to predict the effect of missense changes on protein structure and function are either unavailable or do not agree on the potential impact of this missense change (SIFT: "Deleterious"; PolyPhen-2: "Possibly Damaging"; Align-GVGD: "Class C0"). In summary, the available evidence is currently insufficient to determine the role of this variant in disease. Therefore, it has been classified as a Variant of Uncertain Significance.